The following is an entry in ClinVar:

NM_006231.4(POLE):c.3777_3778insCCCC (p.Ala1260fs)

Gene: POLE (DNA polymerase epsilon, catalytic subunit; minus strand). Cytogenetic location: 12q24.33.
Variant type: Insertion.
Coding change: c.3777_3778insCCCC on transcript NM_006231.4 (MANE Select); coding-DNA positions 3777 to 3778, CCCC inserted.
Protein change: p.Ala1260fs; shifts the reading frame from alanine 1260.
Molecular consequence: frameshift variant.
Genome position: GRCh38 VCF-style: chr12-132649694-C-CGGGG. GRCh37 (hg19) VCF-style: chr12-133226280-C-CGGGG.
Other names: short protein forms A1260fs.
Identifiers: ClinVar variation 2859889 (VCV002859889.3), dbSNP rs2541953292, ClinGen allele CA2622050780.

ClinVar aggregate classification (germline): Pathogenic (1 of 4 stars; one submission).

Submission:

Labcorp Genetics (formerly Invitae), Labcorp
Classification: Pathogenic. Last evaluated: 2023-04-28. Review status: criteria provided, single submitter. Criteria: Invitae Variant Classification Sherloc (09022015). Collection method: clinical testing. Allele origin: germline.
Comment: This variant has not been reported in the literature in individuals affected with POLE-related conditions. For these reasons, this variant has been classified as Pathogenic. This variant is not present in population databases (gnomAD no frequency). This sequence change creates a premature translational stop signal (p.Ala1260Profs*96) in the POLE gene. It is expected to result in an absent or disrupted protein product. Loss-of-function variants in POLE are known to be pathogenic (PMID: 23230001, 25948378, 30503519).

Literature cited by the submitters: PubMed 23230001; PubMed 25948378; PubMed 30503519.